The following is an entry in ClinVar:

NM_006031.6(PCNT):c.5578G>T (p.Glu1860Ter)

Gene: PCNT (pericentrin; plus strand). Cytogenetic location: 21q22.3.
Variant type: single nucleotide variant.
Coding change: c.5578G>T on transcript NM_006031.6 (MANE Select); coding-DNA position 5578, G replaced by T.
Protein change: p.Glu1860Ter; replaces glutamic acid 1860 with a stop codon.
Molecular consequence: nonsense.
Genome position (GRCh38, 1-based): chr21:46,411,651, G>T. VCF-style: chr21-46411651-G-T. GRCh37 (hg19) VCF-style: chr21-47831565-G-T.
Other names: c.5224G>T, p.Glu1742Ter (NM_001315529.2); short protein forms E1860*, E1742*.
Identifiers: ClinVar variation 159621 (VCV000159621.10), dbSNP rs369195346, ClinGen allele CA251085.

ClinVar aggregate classification (germline): Pathogenic. Review status: criteria provided, multiple submitters, no conflicts (2 of 4 stars). 3 submissions from 3 submitters: Pathogenic (3). Last evaluated 2023-11-27.

Conditions:
Microcephalic osteodysplastic primordial dwarfism type II (MOPD2). Also called: Microcephalic osteodysplastic primordial dwarfism with tooth abnormalities; MOPD II; OSTEODYSPLASTIC PRIMORDIAL DWARFISM, TYPE II. Identifiers: Orphanet 2637, MedGen C0432246, MONDO:0008872, OMIM 210720.

Allele frequency attached by ClinVar (database versions not stated): ExAC 0.00001; TOPMed 0.00003; ESP Exome Variant Server 0.00008.
gnomAD v4.1: 11 of 1,612,948 alleles (0.00068%); highest among the groups gnomAD compares: African/African-American, 0.004%; no homozygotes.

Submissions (3):

Labcorp Genetics (formerly Invitae), Labcorp
Classification: Pathogenic. Last evaluated: 2023-11-27. Review status: criteria provided, single submitter. Criteria: Invitae Variant Classification Sherloc (09022015). Collection method: clinical testing. Allele origin: germline.
Comment: This sequence change creates a premature translational stop signal (p.Glu1860*) in the PCNT gene. It is expected to result in an absent or disrupted protein product. Loss-of-function variants in PCNT are known to be pathogenic (PMID: 18174396, 22821869). This variant is present in population databases (rs369195346, gnomAD 0.002%). This premature translational stop signal has been observed in individual(s) with microcephalic osteodysplastic primordial dwarfism type 2 (MOPD2) (PMID: 19643772). ClinVar contains an entry for this variant (Variation ID: 159621). For these reasons, this variant has been classified as Pathogenic.

Baylor Genetics
Classification: Pathogenic for Microcephalic osteodysplastic primordial dwarfism type II. Last evaluated: 2019-09-16. Review status: criteria provided, single submitter. Criteria: ACMG Guidelines, 2015. Collection method: clinical testing. Allele origin: unknown. Affected: yes.
Comment: This variant was determined to be pathogenic according to ACMG Guidelines, 2015 [PMID:25741868].

Genetic Services Laboratory, University of Chicago
Classification: Pathogenic for Microcephalic osteodysplastic primordial dwarfism, type II. Last evaluated: 2013-09-09. Review status: criteria provided, single submitter. Criteria: ACMG Guidelines, 2007. Collection method: clinical testing. Allele origin: germline. Inheritance: Autosomal recessive inheritance. Affected: yes.

Literature cited by the submitters: PubMed 18174396 (cited by Labcorp Genetics (formerly Invitae), Labcorp); PubMed 22821869 (cited by Labcorp Genetics (formerly Invitae), Labcorp); PubMed 19643772 (cited by Labcorp Genetics (formerly Invitae), Labcorp).